The following is an entry in ClinVar:

ClinVar aggregate classification (germline): Likely benign. Review status: criteria provided, multiple submitters, no conflicts (2 of 4 stars). 4 submissions from 4 submitters: Likely benign (4). Last evaluated 2025-12-22.

Allele frequency attached by ClinVar (database versions not stated): gnomAD exomes 0.00035 and 0.00059; 1000 Genomes Project 0.00040; gnomAD 0.00044 and 0.00048; 1000 Genomes Project 30x 0.00047; ExAC 0.00047; TOPMed 0.00053; ESP Exome Variant Server 0.00054.
gnomAD v4.1: 628 of 1,614,166 alleles (0.039%); highest among the groups gnomAD compares: Middle Eastern, 0.74%; 2 homozygotes.

Submissions (4):

Labcorp Genetics (formerly Invitae), Labcorp
Classification: Likely benign. Last evaluated: 2025-12-22. Review status: criteria provided, single submitter. Criteria: Invitae Variant Classification Sherloc (09022015). Collection method: clinical testing. Allele origin: germline.

CeGaT Center for Human Genetics Tuebingen
Classification: Likely benign. Last evaluated: 2025-05-01. Review status: criteria provided, single submitter. Criteria: CeGaT Center For Human Genetics Tuebingen Variant Classification Criteria Version 2. Collection method: clinical testing. Allele origin: germline. Affected: yes. Observed: 6 variant alleles.
Comment: CTBP1: BP4, BP7, BS1

Blueprint Genetics
Classification: Likely benign. Last evaluated: 2024-11-25. Review status: criteria provided, single submitter. Criteria: ACMG Guidelines, 2015. Collection method: clinical testing. Allele origin: germline.

Breakthrough Genomics
Classification: Likely benign. Review status: criteria provided, single submitter. Criteria: ACMG Guidelines, 2015. Collection method: not provided. Allele origin: germline. Inheritance: Autosomal dominant inheritance. Affected: yes.

NM_001012614.2(CTBP1):c.210C>G (p.Leu70=)

Gene: CTBP1 (C-terminal binding protein 1; minus strand). Cytogenetic location: 4p16.3.
Variant type: single nucleotide variant.
Coding change: c.210C>G on transcript NM_001012614.2 (MANE Select); coding-DNA position 210, C replaced by G.
Protein change: p.Leu70=; no amino-acid change (leucine 70 retained).
Molecular consequence: synonymous variant.
Genome position (GRCh38, 1-based): chr4:1,228,296, G>C on the plus strand (C>G on the coding strand, the complement: CTBP1 is on the minus strand). VCF-style: chr4-1228296-G-C. GRCh37 (hg19) VCF-style: chr4-1222084-G-C.
Other names: c.243C>G, p.Leu81= (NM_001328.3).
Identifiers: ClinVar variation 720261 (VCV000720261.34), dbSNP rs144062192, ClinGen allele CA2804471.